The following is an entry in ClinVar:

ClinVar aggregate classification (germline): Uncertain significance. Review status: criteria provided, multiple submitters, no conflicts (2 of 4 stars). 2 submissions from 2 submitters: Uncertain significance (2). Last evaluated 2024-11-23.

Submissions (2):

Ambry Genetics
Classification: Uncertain significance. Last evaluated: 2024-11-23. Review status: criteria provided, single submitter. Criteria: Ambry Variant Classification Scheme 2023. Collection method: clinical testing. Allele origin: germline.
Comment: The p.C615W variant (also known as c.1845C>G), located in coding exon 8 of the RNF43 gene, results from a C to G substitution at nucleotide position 1845. The cysteine at codon 615 is replaced by tryptophan, an amino acid with highly dissimilar properties. This amino acid position is conserved. In addition, this alteration is predicted to be tolerated by in silico analysis. Based on the available evidence, the clinical significance of this variant remains unclear.

Labcorp Genetics (formerly Invitae), Labcorp
Classification: Uncertain significance. Last evaluated: 2023-05-20. Review status: criteria provided, single submitter. Criteria: Invitae Variant Classification Sherloc (09022015). Collection method: clinical testing. Allele origin: germline.
Comment: In summary, the available evidence is currently insufficient to determine the role of this variant in disease. Therefore, it has been classified as a Variant of Uncertain Significance. Algorithms developed to predict the effect of missense changes on protein structure and function output the following: SIFT: "Not Available"; PolyPhen-2: "Benign"; Align-GVGD: "Not Available". The tryptophan amino acid residue is found in multiple mammalian species, which suggests that this missense change does not adversely affect protein function. ClinVar contains an entry for this variant (Variation ID: 2073683). This variant has not been reported in the literature in individuals affected with RNF43-related conditions. This variant is not present in population databases (gnomAD no frequency). This sequence change replaces cysteine, which is neutral and slightly polar, with tryptophan, which is neutral and slightly polar, at codon 615 of the RNF43 protein (p.Cys615Trp).

NM_017763.6(RNF43):c.1845C>G (p.Cys615Trp)

Gene: RNF43 (ring finger protein 43; minus strand). Cytogenetic location: 17q22.
Variant type: single nucleotide variant.
Coding change: c.1845C>G on transcript NM_017763.6 (MANE Select); coding-DNA position 1845, C replaced by G.
Protein change: p.Cys615Trp; replaces cysteine 615 with tryptophan.
Molecular consequence: missense variant.
Genome position (GRCh38, 1-based): chr17:58,357,931, G>C on the plus strand (C>G on the coding strand, the complement: RNF43 is on the minus strand). VCF-style: chr17-58357931-G-C. GRCh37 (hg19) VCF-style: chr17-56435292-G-C.
Other names: c.1845C>G, p.Cys615Trp (NM_001305544.3); c.1464C>G, p.Cys488Trp (NM_001305545.2); short protein forms C488W, C615W.
Identifiers: ClinVar variation 2073683 (VCV002073683.5), dbSNP rs774246948, ClinGen allele CA400387230.